The following is an entry in ClinVar:

NM_030777.4(SLC2A10):c.1479C>T (p.Ile493=)

Gene: SLC2A10 (solute carrier family 2 member 10; plus strand). Cytogenetic location: 20q13.12.
Variant type: single nucleotide variant.
Coding change: c.1479C>T on transcript NM_030777.4 (MANE Select); coding-DNA position 1479, C replaced by T.
Protein change: p.Ile493=; no amino-acid change (isoleucine 493 retained).
Molecular consequence: synonymous variant.
Genome position (GRCh38, 1-based): chr20:46,729,420, C>T. VCF-style: chr20-46729420-C-T. GRCh37 (hg19) VCF-style: chr20-45358059-C-T.
Identifiers: ClinVar variation 5001964 (VCV005001964.1).

ClinVar aggregate classification (germline): Likely benign (1 of 4 stars; one submission).

Conditions:
SLC2A10-related disorder. Also called: SLC2A10-related condition.

Submission:

PreventionGenetics, part of Exact Sciences
Classification: Likely benign for SLC2A10-related condition. Last evaluated: 2025-05-27. Review status: criteria provided, single submitter. Criteria: ACMG Guidelines, 2015. Collection method: clinical testing. Allele origin: germline.
Comment: This variant is classified as likely benign based on ACMG/AMP sequence variant interpretation guidelines (Richards et al. 2015 PMID: 25741868, with internal and published modifications).